The following is an entry in ClinVar:

ClinVar aggregate classification (germline): Conflicting classifications of pathogenicity. Review status: criteria provided, conflicting classifications (1 of 4 stars). 25 submissions from 21 submitters: Uncertain significance (7); Benign (3); Likely benign (10). 5 of the submissions do not count toward it. Last evaluated 2026-02-01.

Conditions:
TTN-related disorder. Also called: TTN-related condition; TTN-related disease; TTN-related disorders.
Cardiovascular phenotype. Identifiers: MedGen CN230736.
Dilated cardiomyopathy 1G (CMD1G). Identifiers: Orphanet 154, MedGen C1858763, MONDO:0011400, OMIM 604145.
Autosomal recessive limb-girdle muscular dystrophy type 2J (LGMDR10). Also called: Limb-girdle muscular dystrophy, type 2J; MUSCULAR DYSTROPHY, LIMB-GIRDLE, AUTOSOMAL RECESSIVE 10. Identifiers: Orphanet 140922, MedGen C1837342, MONDO:0012127, OMIM 608807.
Cardiomyopathy (CMYO). Also called: Cardiomyopathies. Identifiers: Orphanet 167848, MedGen C0878544, MONDO:0004994, HP:0001638. Inheritance: Various modes of inheritance.
Early-onset myopathy with fatal cardiomyopathy (CMYO5). Also called: Salih Myopathy; CONGENITAL MYOPATHY 5 WITH CARDIOMYOPATHY. Identifiers: Orphanet 289377, MedGen C2673677, MONDO:0012714, OMIM 611705. Disease mechanism: loss of function.
Myopathy, myofibrillar, 9, with early respiratory failure (MFM9). Also called: Hereditary myopathy with early respiratory failure; Myopathy, distal, with early respiratory failure, autosomal dominant; EDSTROM MYOPATHY; MYOPATHY, PROXIMAL, WITH EARLY RESPIRATORY MUSCLE INVOLVEMENT. Identifiers: Orphanet 178464, Orphanet 34521, MedGen C1863599, MONDO:0011362, OMIM 603689.
Tibial muscular dystrophy (TMD). Also called: Udd Distal Myopathy – Tibial Muscular Dystrophy; Tibial muscular dystrophy, tardive; UDD MYOPATHY. Identifiers: Orphanet 609, MedGen C1838244, MONDO:0010870, OMIM 600334.

Allele frequency attached by ClinVar (database versions not stated): 1000 Genomes Project 30x 0.00047; 1000 Genomes Project 0.00060; TOPMed 0.00068; ESP Exome Variant Server 0.00085.
gnomAD v4.1: 1,192 of 1,614,038 alleles (0.074%); highest among the groups gnomAD compares: Non-Finnish European, 0.074%; 4 homozygotes.

Submissions (25):

Labcorp Genetics (formerly Invitae), Labcorp
Classification: Likely benign for Dilated cardiomyopathy 1G; Autosomal recessive limb-girdle muscular dystrophy type 2J. Last evaluated: 2026-02-01. Review status: criteria provided, single submitter. Criteria: Invitae Variant Classification Sherloc (09022015). Collection method: clinical testing. Allele origin: germline.

Molecular Diagnostic Laboratory for Inherited Cardiovascular Disease, Montreal Heart Institute
Classification: Likely benign. Last evaluated: 2025-04-09. Review status: criteria provided, single submitter. Criteria: ACMG Guidelines, 2015. Collection method: clinical testing. Allele origin: germline. Affected: no.

CeGaT Center for Human Genetics Tuebingen
Classification: Likely benign. Last evaluated: 2025-02-01. Review status: criteria provided, single submitter. Criteria: CeGaT Center For Human Genetics Tuebingen Variant Classification Criteria Version 2. Collection method: clinical testing. Allele origin: germline. Affected: yes. Observed: 15 variant alleles.
Comment: TTN: BP4

Blueprint Genetics
Classification: Likely benign. Last evaluated: 2024-11-19. Review status: criteria provided, single submitter. Criteria: ACMG Guidelines, 2015. Collection method: clinical testing. Allele origin: germline.

Mayo Clinic Laboratories, Mayo Clinic
Classification: Likely benign. Last evaluated: 2024-10-09. Review status: criteria provided, single submitter. Criteria: ACMG Guidelines, 2015. Collection method: clinical testing. Allele origin: germline. Observed: 2 variant alleles.
Comment: BS1

Athena Diagnostics
Classification: Benign. Last evaluated: 2020-10-15. Review status: criteria provided, single submitter. Criteria: Athena Diagnostics criteria. Collection method: clinical testing. Allele origin: unknown.

CHEO Genetics Diagnostic Laboratory, Children's Hospital of Eastern Ontario
Classification: Likely benign for Cardiomyopathy. Last evaluated: 2020-09-04. Review status: criteria provided, single submitter. Criteria: ACMG Guidelines, 2015. Collection method: clinical testing. Allele origin: germline.

Women's Health and Genetics/Laboratory Corporation of America, LabCorp
Classification: Likely benign. Last evaluated: 2020-07-20. Review status: criteria provided, single submitter. Criteria: LabCorp Variant Classification Summary - May 2015. Collection method: clinical testing. Allele origin: germline.
Comment: Variant summary: TTN c.3241G>A (p.Ala1081Thr) results in a non-conservative amino acid change located in the near Z-disk region of the encoded protein sequence. Four of five in-silico tools predict a damaging effect of the variant on protein function. The variant allele was found at a frequency of 0.00067 in 251122 control chromosomes in the gnomAD database, including 1 homozygote. The observed variant frequency is approximately 1.7- fold the estimated maximal expected allele frequency for a pathogenic variant in TTN causing Dilated Cardiomyopathy phenotype (0.00039), suggesting that the variant is benign. c.3241G>A has been reported in the literature in at least one individual affected with Hypertrophic Cardiomyopathy (e.g. Campuzano_2015, Mademont-Soler_2017). These reports do not provide unequivocal conclusions about association of the variant with Dilated Cardiomyopathy. Co-occurrence with another pathogenic variant has been reported in the literature (MYBPC3 c.2512G>T, p.E838X; Mademont-Soler_2017), providing supporting evidence for a benign role. To our knowledge, no experimental evidence demonstrating an impact on protein function has been reported. Eight other clinical diagnostic laboratories have submitted clinical-significance assessments for this variant to ClinVar after 2014 without evidence for independent evaluation. Multiple laboratories reported the variant with conflicting assessments, including uncertain significance (n=3), likely benign (n=4), and benign (n=1). Based on the evidence outlined above, the variant was classified as likely benign.

GeneDx
Classification: Likely benign. Last evaluated: 2020-07-14. Review status: criteria provided, single submitter. Criteria: GeneDx Variant Classification Process June 2021. Collection method: clinical testing. Allele origin: germline. Affected: yes.
Comment: This variant is associated with the following publications: (PMID: 17344846, 23861362)

Centre for Mendelian Genomics, University Medical Centre Ljubljana
Classification: Uncertain significance for Tibial muscular dystrophy. Last evaluated: 2019-09-13. Review status: criteria provided, single submitter. Criteria: ACMG Guidelines, 2015. Collection method: clinical testing. Allele origin: unknown. Affected: yes.
Comment: This variant was classified as: Uncertain significance. The available evidence on this variant's pathogenicity is insufficient or conflicting. The following ACMG criteria were applied in classifying this variant: PP3,BP1.

Illumina Laboratory Services, Illumina
Classification: Benign for Tibial muscular dystrophy. Last evaluated: 2017-04-27. Review status: criteria provided, single submitter. Criteria: ICSL Variant Classification Criteria 13 December 2019. Collection method: clinical testing. Allele origin: germline.
Comment: This variant was observed as part of a predisposition screen in an ostensibly healthy population. A literature search was performed for the gene, cDNA change, and amino acid change (where applicable). No publications were found based on this search. Allele frequency data from public databases was too high to be consistent with this variant causing disease. Therefore, this variant is classified as benign.

Illumina Laboratory Services, Illumina
Classification: Benign for Myopathy, myofibrillar, 9, with early respiratory failure. Last evaluated: 2017-04-27. Review status: criteria provided, single submitter. Criteria: ICSL Variant Classification Criteria 13 December 2019. Collection method: clinical testing. Allele origin: germline.
Comment: the same text as in the submission from Illumina Laboratory Services, Illumina above.

Illumina Laboratory Services, Illumina
Classification: Uncertain significance for Dilated cardiomyopathy 1G. Last evaluated: 2017-04-27. Review status: criteria provided, single submitter. Criteria: ICSL Variant Classification Criteria 13 December 2019. Collection method: clinical testing. Allele origin: germline.

Illumina Laboratory Services, Illumina
Classification: Uncertain significance for Autosomal recessive limb-girdle muscular dystrophy type 2J. Last evaluated: 2017-04-27. Review status: criteria provided, single submitter. Criteria: ICSL Variant Classification Criteria 13 December 2019. Collection method: clinical testing. Allele origin: germline.

Illumina Laboratory Services, Illumina
Classification: Uncertain significance for Early-onset myopathy with fatal cardiomyopathy. Last evaluated: 2017-04-27. Review status: criteria provided, single submitter. Criteria: ICSL Variant Classification Criteria 13 December 2019. Collection method: clinical testing. Allele origin: germline.

Eurofins Ntd Llc (ga)
Classification: Likely benign. Last evaluated: 2016-01-19. Review status: criteria provided, single submitter. Criteria: EGL Classification Definitions 2015. Collection method: clinical testing. Allele origin: germline. Observed: 4 variant alleles, 4 heterozygotes.

Genetic Services Laboratory, University of Chicago
Classification: Uncertain significance. Last evaluated: 2015-04-08. Review status: criteria provided, single submitter. Criteria: ACMG Guidelines, 2015. Collection method: clinical testing. Allele origin: germline.

Laboratory for Molecular Medicine, Mass General Brigham Personalized Medicine
Classification: Uncertain significance. Last evaluated: 2014-07-21. Review status: criteria provided, single submitter. Criteria: LMM Criteria. Collection method: clinical testing. Allele origin: germline. Observed: 3 variant alleles.
Comment: Variant classified as Uncertain Significance - Favor Benign. The Ala1081Thr vari ant in TTN has been identified by our laboratory in 2 adults with HCM, including one who carries a pathogenic variant in another gene. This variant has been ide ntified in 0.1% (9/8600) of European American chromosomes by the NHLBI Exome Seq uencing Project (dbSNP rs59914517). Computati onal prediction tools and conservation analysis do not provide strong support fo r or against an impact to the protein. In summary, while the clinical significan ce of the Ala1081Thr variant is uncertain, its frequency suggests that it is mor e likely to be benign.

Biesecker Lab/Clinical Genomics Section, National Institutes of Health
Classification: Likely benign. Last evaluated: 2013-06-24. Review status: criteria provided, single submitter. Criteria: Ng et al. (Circ Cardiovasc Genet. 2013). Collection method: research. Allele origin: unknown. Observed: 2 variant alleles. Study: ClinSeq.
Comment: The study set was not selected for affection status in relation to any cancer. Pathogenicity categories were based on literature curation. See Pubmed ID:23861362 for details.

Medical sequencing

Ambry Genetics
Classification: Uncertain significance for Cardiovascular phenotype. Last evaluated: 2012-11-19. Review status: criteria provided, single submitter. Criteria: Ambry Autosomal Dominant and X-Linked criteria (10/2015). Collection method: clinical testing. Allele origin: germline. Observed: 1 variant allele.
Comment: There is insufficient or conflicting evidence for classification of this alteration.

PreventionGenetics, part of Exact Sciences
Classification: Likely benign for TTN-related condition. Last evaluated: 2019-08-03. Review status: no assertion criteria provided. Collection method: clinical testing. Allele origin: germline. Not counted in ClinVar's aggregate classification.
Comment: This variant is classified as likely benign based on ACMG/AMP sequence variant interpretation guidelines (Richards et al. 2015 PMID: 25741868, with internal and published modifications).

Clinical Genetics DNA and cytogenetics Diagnostics Lab, Erasmus MC, Erasmus Medical Center
Classification: Likely benign. Review status: no assertion criteria provided. Collection method: clinical testing. Allele origin: germline. Affected: yes. Study: VKGL Data-share Consensus. Not counted in ClinVar's aggregate classification.

Clinical Genetics, Academic Medical Center
Classification: Likely benign. Review status: no assertion criteria provided. Collection method: clinical testing. Allele origin: germline. Affected: yes. Study: VKGL Data-share Consensus. Not counted in ClinVar's aggregate classification.

Diagnostic Laboratory, Department of Genetics, University Medical Center Groningen
Classification: Likely benign. Review status: no assertion criteria provided. Collection method: clinical testing. Allele origin: germline. Affected: yes. Study: VKGL Data-share Consensus. Not counted in ClinVar's aggregate classification.

Joint Genome Diagnostic Labs from Nijmegen and Maastricht, Radboudumc and MUMC+
Classification: Likely benign. Review status: no assertion criteria provided. Collection method: clinical testing. Allele origin: germline. Affected: yes. Study: VKGL Data-share Consensus. Not counted in ClinVar's aggregate classification.

Literature cited by the submitters: PubMed 23861362 (cited by Athena Diagnostics); PubMed 17344846 (cited by Athena Diagnostics); PubMed 28771489 (cited by Women's Health and Genetics/Laboratory Corporation of America, LabCorp); PubMed 26516846 (cited by Women's Health and Genetics/Laboratory Corporation of America, LabCorp).

NM_001267550.2(TTN):c.3241G>A (p.Ala1081Thr)

Gene: TTN (titin; minus strand). Cytogenetic location: 2q31.2.
Variant type: single nucleotide variant.
Coding change: c.3241G>A on transcript NM_001267550.2 (MANE Select); coding-DNA position 3241, G replaced by A.
Protein change: p.Ala1081Thr; replaces alanine 1081 with threonine.
Molecular consequence: missense variant.
Genome position (GRCh38, 1-based): chr2:178,782,351, C>T on the plus strand (G>A on the coding strand, the complement: TTN is on the minus strand). VCF-style: chr2-178782351-C-T. GRCh37 (hg19) VCF-style: chr2-179647078-C-T.
Other names: p.A1081T:GCG>ACG; c.3241G>A, p.Ala1081Thr (NM_001256850.1, NM_133378.4, NM_133379.5); c.3103G>A, p.Ala1035Thr (NM_003319.4, NM_133432.3, NM_133437.4); c.3241G>A (NM_001267550.1); short protein forms A1081T, A1035T.
Identifiers: ClinVar variation 46931 (VCV000046931.83), dbSNP rs55914517, ClinGen allele CA139551.